The following is an entry in ClinVar:

NM_174936.4(PCSK9):c.261C>G (p.His87Gln)

Gene: PCSK9 (proprotein convertase subtilisin/kexin type 9; plus strand). Cytogenetic location: 1p32.3.
Variant type: single nucleotide variant.
Coding change: c.261C>G on transcript NM_174936.4 (MANE Select); coding-DNA position 261, C replaced by G.
Protein change: p.His87Gln; replaces histidine 87 with glutamine.
Molecular consequence: missense variant. On other transcripts: 5 prime UTR variant (1), non-coding transcript variant (6), intron variant (1).
Genome position (GRCh38, 1-based): chr1:55,043,896, C>G. VCF-style: chr1-55043896-C-G. GRCh37 (hg19) VCF-style: chr1-55509569-C-G.
Other names: c.384C>G, p.His128Gln (NM_001407240.1); c.261C>G, p.His87Gln (NM_001407241.1, NM_001407242.1, NM_001407243.1 and 2 more transcripts); c.-115C>G (NM_001407246.1); c.208-2627C>G (NM_001407245.1); short protein forms H128Q, H87Q.
Identifiers: ClinVar variation 2682039 (VCV002682039.1), dbSNP rs1474074355, ClinGen allele CA340483621.

ClinVar aggregate classification (germline): Uncertain significance (1 of 4 stars; one submission).

gnomAD v4.1: 1 of 1,614,194 alleles (0.000062%); highest among the groups gnomAD compares: Non-Finnish European, 0.000085%; no homozygotes.

Submission:

Quest Diagnostics Nichols Institute San Juan Capistrano
Classification: Uncertain significance. Last evaluated: 2023-02-07. Review status: criteria provided, single submitter. Criteria: Quest Diagnostics criteria. Collection method: clinical testing. Allele origin: unknown.
Comment: This variant has not been reported in the published literature. It also has not been reported in large, multi-ethnic general populations. Analysis of this variant using bioinformatics tools for the prediction of the effect of amino acid changes on protein structure and function yielded predictions that this variant is benign. Based on the available information, we are unable to determine the clinical significance of this variant.